The following is an entry in ClinVar:

NM_014112.5(TRPS1):c.913C>T (p.Gln305Ter)

Gene: TRPS1 (transcriptional repressor GATA binding 1; minus strand). Cytogenetic location: 8q23.3.
Variant type: single nucleotide variant.
Coding change: c.913C>T on transcript NM_014112.5 (MANE Select); coding-DNA position 913, C replaced by T.
Protein change: p.Gln305Ter; replaces glutamine 305 with a stop codon.
Molecular consequence: nonsense.
Genome position (GRCh38, 1-based): chr8:115,619,185, G>A on the plus strand (C>T on the coding strand, the complement: TRPS1 is on the minus strand). VCF-style: chr8-115619185-G-A. GRCh37 (hg19) VCF-style: chr8-116631412-G-A.
Other names: c.886C>T, p.Gln296Ter (NM_001282902.3); c.892C>T, p.Gln298Ter (NM_001282903.3); c.874C>T, p.Gln292Ter (NM_001330599.2); short protein forms Q292*, Q296*, Q298*, Q305*.
Identifiers: ClinVar variation 1069769 (VCV001069769.7), dbSNP rs1297221126, ClinGen allele CA372068582.

ClinVar aggregate classification (germline): Pathogenic (1 of 4 stars; one submission).

Conditions:
Trichorhinophalangeal syndrome, type III (TRPS3). Also called: SUGIO-KAJII SYNDROME. Identifiers: Orphanet 77258, MedGen C1860823, OMIM 190351, MONDO:0008597.
Trichorhinophalangeal dysplasia type I (TRPS1). Also called: TRPS I; TRICHORHINOPHALANGEAL SYNDROME, TYPE I. Identifiers: Orphanet 77258, MedGen C0432233, MONDO:0008596, OMIM 190350.

Submission:

Labcorp Genetics (formerly Invitae), Labcorp
Classification: Pathogenic for Trichorhinophalangeal syndrome, type III; Trichorhinophalangeal dysplasia type I. Last evaluated: 2021-12-15. Review status: criteria provided, single submitter. Criteria: Invitae Variant Classification Sherloc (09022015). Collection method: clinical testing. Allele origin: germline.
Comment: This sequence change creates a premature translational stop signal (p.Gln305*) in the TRPS1 gene. It is expected to result in an absent or disrupted protein product. Loss-of-function variants in TRPS1 are known to be pathogenic (PMID: 11112658). This variant is not present in population databases (gnomAD no frequency). This variant has not been reported in the literature in individuals affected with TRPS1-related conditions. ClinVar contains an entry for this variant (Variation ID: 1069769). For these reasons, this variant has been classified as Pathogenic.

Literature cited by the submitters: PubMed 11112658.